The following is an entry in ClinVar:

NM_130810.4(DNAAF4):c.430dup (p.Ile144fs)

Genes: DNAAF4 (dynein axonemal assembly factor 4; minus strand), DNAAF4-CCPG1 (DNAAF4-CCPG1 readthrough (NMD candidate); minus strand). Cytogenetic location: 15q21.3.
Variant type: Duplication.
Coding change: c.430dup on transcript NM_130810.4 (MANE Select); coding-DNA position 430, one base duplicated (A; older notation c.430dupA).
Protein change: p.Ile144fs; shifts the reading frame from isoleucine 144.
Molecular consequence: frameshift variant. On other transcripts: non-coding transcript variant (1).
Genome position (GRCh38, 1-based): chr15:55,467,137, T duplicated on the plus strand (A on the coding strand, the reverse complement: DNAAF4 is on the minus strand); the first of 7 consecutive T bases (chr15:55,467,137-55,467,143); duplicating any one gives the same sequence. VCF-style (leftmost placement, unchanged base first): chr15-55467136-A-AT. GRCh37 (hg19) VCF-style: chr15-55759334-A-AT.
Other names: c.430dup, p.Ile144fs (NM_001033559.3, NM_001033560.2); short protein forms I144fs.
Identifiers: ClinVar variation 2886575 (VCV002886575.3), dbSNP rs755135568, ClinGen allele CA7575033.
Genomic context (GRCh38, chr15:55,467,136, plus strand): 5'-TCTTTCCAGGCTTCCAATGCTTTAGTGGCTTTTATCCGTTCATTTTCTTTCATATCTTCT[A>AT]TTTTTTTCCTCTCTTCTTCTTCAATCTATAACAATTGCAATTACCAAATTCTTTAAAATA-3'

ClinVar aggregate classification (germline): Pathogenic (1 of 4 stars; one submission).

Submission:

Labcorp Genetics (formerly Invitae), Labcorp
Classification: Pathogenic. Last evaluated: 2023-09-27. Review status: criteria provided, single submitter. Criteria: Invitae Variant Classification Sherloc (09022015). Collection method: clinical testing. Allele origin: germline.
Comment: This sequence change creates a premature translational stop signal (p.Ile144Asnfs*8) in the DNAAF4 gene. It is expected to result in an absent or disrupted protein product. Loss-of-function variants in DNAAF4 are known to be pathogenic (PMID: 23872636). This variant is present in population databases (rs755135568, gnomAD 0.001%). This variant has not been reported in the literature in individuals affected with DNAAF4-related conditions. For these reasons, this variant has been classified as Pathogenic.

Literature cited by the submitters: PubMed 23872636.